The following is an entry in ClinVar:

ClinVar aggregate classification (germline): Pathogenic (1 of 4 stars; one submission).

Conditions:
Saldino-Mainzer syndrome (SRTD9). Also called: CONORENAL SYNDROME; Renal dysplasia, retinal pigmentary dystrophy, cerebellar ataxia and skeletal dysplasia; SHORT-RIB THORACIC DYSPLASIA 9 WITHOUT POLYDACTYLY; short-rib thoracic dysplasia 9 with or without polydactyly. Identifiers: Orphanet 140969, MedGen C1849437, MONDO:0009964, OMIM 266920.

Submission:

Labcorp Genetics (formerly Invitae), Labcorp
Classification: Pathogenic for Saldino-Mainzer syndrome. Last evaluated: 2025-04-16. Review status: criteria provided, single submitter. Criteria: Invitae Variant Classification Sherloc (09022015). Collection method: clinical testing. Allele origin: germline.
Comment: This sequence change creates a premature translational stop signal (p.Leu358Argfs*122) in the IFT140 gene. It is expected to result in an absent or disrupted protein product. Loss-of-function variants in IFT140 are known to be pathogenic (PMID: 22503633, 23418020, 24009529, 26216056). This variant is not present in population databases (gnomAD no frequency). This variant has not been reported in the literature in individuals affected with IFT140-related conditions. ClinVar contains an entry for this variant (Variation ID: 2744622). For these reasons, this variant has been classified as Pathogenic.

Literature cited by the submitters: PubMed 22503633; PubMed 23418020; PubMed 24009529; PubMed 26216056.

NM_014714.4(IFT140):c.1073_1083del (p.Leu358fs)

Genes: IFT140 (intraflagellar transport 140; minus strand), LOC105371046 (uncharacterized LOC105371046; plus strand). Cytogenetic location: 16p13.3.
Variant type: Deletion.
Coding change: c.1073_1083del on transcript NM_014714.4 (MANE Select); coding-DNA positions 1073 to 1083, 11 bases deleted (TGGGCAGCCCC).
Protein change: p.Leu358fs; shifts the reading frame from leucine 358.
Molecular consequence: frameshift variant.
Genome position (GRCh38, 1-based): chr16:1,586,202-1,586,212, GGGGCTGCCCA deleted on the plus strand (TGGGCAGCCCC on the coding strand, the reverse complement: IFT140 is on the minus strand); deleting any 11 consecutive bases within chr16:1,586,202-1,586,214 gives the same sequence; the c. name uses the placement nearest the transcript's 3' end. VCF-style (leftmost placement, unchanged base first): chr16-1586201-CGGGGCTGCCCA-C. GRCh37 (hg19) VCF-style: chr16-1636202-CGGGGCTGCCCA-C.
Other names: short protein forms L358fs.
Identifiers: ClinVar variation 2744622 (VCV002744622.3), dbSNP rs2507833751, ClinGen allele CA2697549519.